The following is an entry in ClinVar:

ClinVar aggregate classification (germline): Uncertain significance. Review status: criteria provided, multiple submitters, no conflicts (2 of 4 stars). 2 submissions from 2 submitters: Uncertain significance (2). Last evaluated 2024-05-15.

Conditions:
Hereditary cancer-predisposing syndrome. Also called: Hereditary neoplastic syndrome; Neoplastic Syndromes, Hereditary; Tumor predisposition; Hereditary Cancer Syndrome. Identifiers: Orphanet 140162, MedGen C0027672, MeSH D009386, MONDO:0015356.
Familial adenomatous polyposis 1 (FAP1). Also called: FAMILIAL ADENOMATOUS POLYPOSIS 1, ATTENUATED; POLYPOSIS, ADENOMATOUS INTESTINAL. Identifiers: MedGen C2713442, MONDO:0021056, OMIM 175100. Disease mechanism: loss of function.

Allele frequency attached by ClinVar (database versions not stated): TOPMed below 0.00001; gnomAD 0.00001.
gnomAD v4.1: 2 of 1,613,778 alleles (0.00012%); highest among the groups gnomAD compares: Non-Finnish European, 0.000085%; no homozygotes.

Submissions (2):

Labcorp Genetics (formerly Invitae), Labcorp
Classification: Uncertain significance for Familial adenomatous polyposis 1. Last evaluated: 2024-05-15. Review status: criteria provided, single submitter. Criteria: Invitae Variant Classification Sherloc (09022015). Collection method: clinical testing. Allele origin: germline.
Comment: This sequence change replaces leucine, which is neutral and non-polar, with valine, which is neutral and non-polar, at codon 497 of the APC protein (p.Leu497Val). This variant is not present in population databases (gnomAD no frequency). This variant has not been reported in the literature in individuals affected with APC-related conditions. ClinVar contains an entry for this variant (Variation ID: 1507782). Advanced modeling of protein sequence and biophysical properties (such as structural, functional, and spatial information, amino acid conservation, physicochemical variation, residue mobility, and thermodynamic stability) performed at Invitae indicates that this missense variant is not expected to disrupt APC protein function with a negative predictive value of 95%. In summary, the available evidence is currently insufficient to determine the role of this variant in disease. Therefore, it has been classified as a Variant of Uncertain Significance.

Ambry Genetics
Classification: Uncertain significance for Hereditary cancer-predisposing syndrome. Last evaluated: 2021-08-23. Review status: criteria provided, single submitter. Criteria: Ambry Variant Classification Scheme 2023. Collection method: clinical testing. Allele origin: germline.
Comment: The p.L497V variant (also known as c.1489C>G), located in coding exon 11 of the APC gene, results from a C to G substitution at nucleotide position 1489. The leucine at codon 497 is replaced by valine, an amino acid with highly similar properties. This amino acid position is highly conserved in available vertebrate species. In addition, in silico predictors for this gene do not accurately predict pathogenicity. Since supporting evidence is limited at this time, the clinical significance of this alteration remains unclear.

NM_000038.6(APC):c.1489C>G (p.Leu497Val)

Gene: APC (APC regulator of Wnt signaling pathway; plus strand). Cytogenetic location: 5q22.2.
Variant type: single nucleotide variant.
Coding change: c.1489C>G on transcript NM_000038.6 (MANE Select); coding-DNA position 1489, C replaced by G.
Protein change: p.Leu497Val; replaces leucine 497 with valine.
Molecular consequence: missense variant.
Genome position (GRCh38, 1-based): chr5:112,827,188, C>G. VCF-style: chr5-112827188-C-G. GRCh37 (hg19) VCF-style: chr5-112162885-C-G.
Other names: c.1366C>G, p.Leu456Val (NM_001354900.2); c.1312C>G, p.Leu438Val (NM_001354901.2); c.1216C>G, p.Leu406Val (NM_001354902.2); c.1009C>G, p.Leu337Val (NM_001354905.2); c.640C>G, p.Leu214Val (NM_001354906.2); c.1186C>G, p.Leu396Val (NM_001354903.2); c.1111C>G, p.Leu371Val (NM_001354904.2); c.1489C>G, p.Leu497Val (NM_001127510.3, NM_001354895.2); and 5 more; short protein forms L396V, L479V, L515V, L214V, L371V, L497V, L456V, L469V.
Identifiers: ClinVar variation 1507782 (VCV001507782.10), dbSNP rs768973715, ClinGen allele CA16024568.
Genomic context (GRCh38, chr5:112,827,188, plus strand): 5'-GAATTATTGCAAGTGGACTGTGAAATGTATGGGCTTACTAATGACCACTACAGTATTACA[C>G]TAAGACGATATGCTGGAATGGCTTTGACAAACTTGACTTTTGGAGATGTAGCCAACAAGG-3'
Protein context (NP_000029.2, residues 487-507): GLTNDHYSIT[Leu497Val]RRYAGMALTN